The following is an entry in ClinVar:

ClinVar aggregate classification (germline): Likely benign. Review status: criteria provided, multiple submitters, no conflicts (2 of 4 stars). 2 submissions from 2 submitters: Likely benign (2). Last evaluated 2025-06-19.

Conditions:
Chédiak-Higashi syndrome (CHS). Also called: Chediak-Higashi Syndrome. Identifiers: Orphanet 167, MedGen C0007965, MONDO:0008963, OMIM 214500.

Allele frequency attached by ClinVar (database versions not stated): gnomAD 0.00001; gnomAD exomes 0.00001 and 0.00004; ExAC 0.00003; TOPMed 0.00004; ESP Exome Variant Server 0.00008.
gnomAD v4.1: 12 of 1,613,782 alleles (0.00074%); highest among the groups gnomAD compares: Middle Eastern, 0.016%; no homozygotes.

Submissions (2):

Labcorp Genetics (formerly Invitae), Labcorp
Classification: Likely benign for Chédiak-Higashi syndrome. Last evaluated: 2025-06-19. Review status: criteria provided, single submitter. Criteria: Invitae Variant Classification Sherloc (09022015). Collection method: clinical testing. Allele origin: germline.

Laboratory for Molecular Medicine, Mass General Brigham Personalized Medicine
Classification: Likely benign. Last evaluated: 2016-03-28. Review status: criteria provided, single submitter. Criteria: LMM Criteria. Collection method: clinical testing. Allele origin: germline.
Comment: Variant identified in a genome or exome case(s) and assessed due to predicted null impact of the variant or pathogenic assertions in the literature or databases. Disclaimer: This variant has not undergone full assessment. The following are preliminary notes: Silent variant.

NM_000081.4(LYST):c.7761A>G (p.Gln2587=)

Gene: LYST (lysosomal trafficking regulator; minus strand). Cytogenetic location: 1q42.3.
Variant type: single nucleotide variant.
Coding change: c.7761A>G on transcript NM_000081.4 (MANE Select); coding-DNA position 7761, A replaced by G.
Protein change: p.Gln2587=; no amino-acid change (glutamine 2587 retained).
Molecular consequence: synonymous variant.
Genome position (GRCh38, 1-based): chr1:235,751,229, T>C on the plus strand (A>G on the coding strand, the complement: LYST is on the minus strand). VCF-style: chr1-235751229-T-C. GRCh37 (hg19) VCF-style: chr1-235914529-T-C.
Other names: c.7761A>G, p.Gln2587= (NM_001301365.1).
Identifiers: ClinVar variation 403066 (VCV000403066.11), dbSNP rs139917441, ClinGen allele CA1466057.